The following is an entry in ClinVar:

NM_014251.3(SLC25A13):c.755-8C>A

Gene: SLC25A13 (solute carrier family 25 member 13; minus strand). Cytogenetic location: 7q21.3.
Variant type: single nucleotide variant.
Coding change: c.755-8C>A on transcript NM_014251.3 (MANE Select); 8 bases into the intron before coding-DNA position 755, C replaced by A.
Molecular consequence: intron variant.
Genome position (GRCh38, 1-based): chr7:96,189,682, G>T on the plus strand (C>A on the coding strand, the complement: SLC25A13 is on the minus strand). VCF-style: chr7-96189682-G-T. GRCh37 (hg19) VCF-style: chr7-95818994-G-T.
Other names: c.755-8C>A (NM_001160210.2).
Identifiers: ClinVar variation 3031677 (VCV003031677.2), dbSNP rs769078308, ClinGen allele CA4353165.

ClinVar aggregate classification (germline): Likely benign (0 of 4 stars; one submission).

Conditions:
SLC25A13-related disorder. Also called: SLC25A13-related condition.

Allele frequency attached by ClinVar (database versions not stated): ExAC 0.00001; gnomAD exomes 0.00001.
gnomAD v4.1: 9 of 1,611,168 alleles (0.00056%); highest among the groups gnomAD compares: East Asian, 0.0067%; no homozygotes.

Submission:

PreventionGenetics, part of Exact Sciences
Classification: Likely benign for SLC25A13-related condition. Last evaluated: 2023-04-03. Review status: no assertion criteria provided. Collection method: clinical testing. Allele origin: germline.
Comment: This variant is classified as likely benign based on ACMG/AMP sequence variant interpretation guidelines (Richards et al. 2015 PMID: 25741868, with internal and published modifications).